The following is an entry in ClinVar:

ClinVar aggregate classification (germline): Uncertain significance. Review status: criteria provided, single submitter (1 of 4 stars). 2 submissions from 2 submitters: Uncertain significance (1). 1 of the submissions does not count toward it. Last evaluated 2024-09-18.

Conditions:
CFTR-related disorder (CFTR-RD). Also called: CFTR-related disorders; CFTR-related condition. Identifiers: MedGen C5924204, MONDO:7770004.

Submissions (2):

Women's Health and Genetics/Laboratory Corporation of America, LabCorp
Classification: Uncertain significance. Last evaluated: 2024-09-18. Review status: criteria provided, single submitter. Criteria: LabCorp Variant Classification Summary - May 2015. Collection method: clinical testing. Allele origin: germline.
Comment: Variant summary: CFTR c.2081G>A (p.Gly694Glu) results in a non-conservative amino acid change located in the CFTR regulator domain (IPR025837) of the encoded protein sequence. Three of five in-silico tools predict a benign effect of the variant on protein function. The variant was absent in 248958 control chromosomes. The available data on variant occurrences in the general population are insufficient to allow any conclusion about variant significance. To our knowledge, no occurrence of c.2081G>A in individuals affected with Chronic Pancreatitis Risk and no experimental evidence demonstrating its impact on protein function have been reported. No submitters have cited clinical-significance assessments for this variant to ClinVar. Based on the evidence outlined above, the variant was classified as uncertain significance.

Natera, Inc.
Classification: Uncertain significance for CFTR-related disorders. Last evaluated: 2025-01-10. Review status: no assertion criteria provided. Collection method: clinical testing. Allele origin: germline. Not counted in ClinVar's aggregate classification.

NM_000492.4(CFTR):c.2081G>A (p.Gly694Glu)

Gene: CFTR (CF transmembrane conductance regulator; plus strand). Cytogenetic location: 7q31.2.
Variant type: single nucleotide variant.
Coding change: c.2081G>A on transcript NM_000492.4 (MANE Select); coding-DNA position 2081, G replaced by A.
Protein change: p.Gly694Glu; replaces glycine 694 with glutamic acid.
Molecular consequence: missense variant.
Genome position (GRCh38, 1-based): chr7:117,592,248, G>A. VCF-style: chr7-117592248-G-A. GRCh37 (hg19) VCF-style: chr7-117232302-G-A.
Other names: short protein forms G694E.
Identifiers: ClinVar variation 3375409 (VCV003375409.2).